The following is an entry in ClinVar:

ClinVar aggregate classification (germline): Uncertain significance (1 of 4 stars; one submission).

Conditions:
Alpha-methylacyl-CoA racemase deficiency (AMACRD). Also called: AMACR deficiency. Identifiers: Orphanet 79095, MedGen C3280428, MONDO:0013681, OMIM 614307. Disease mechanism: loss of function.

Submission:

Labcorp Genetics (formerly Invitae), Labcorp
Classification: Uncertain significance for Alpha-methylacyl-CoA racemase deficiency. Last evaluated: 2021-12-07. Review status: criteria provided, single submitter. Criteria: Invitae Variant Classification Sherloc (09022015). Collection method: clinical testing. Allele origin: germline.
Comment: This sequence change falls in intron 4 of the AMACR gene. It does not directly change the encoded amino acid sequence of the AMACR protein. Information on the frequency of this variant in the gnomAD database is not available, as this variant may be reported differently in the database. This variant has not been reported in the literature in individuals affected with AMACR-related conditions. Algorithms developed to predict the effect of sequence changes on RNA splicing suggest that this variant may disrupt the consensus splice site. In summary, the available evidence is currently insufficient to determine the role of this variant in disease. Therefore, it has been classified as a Variant of Uncertain Significance.

NM_014324.6(AMACR):c.740-8_740-6delinsGGA

Genes: C1QTNF3-AMACR (C1QTNF3-AMACR readthrough (NMD candidate); minus strand), AMACR (alpha-methylacyl-CoA racemase; minus strand). Cytogenetic location: 5p13.2.
Variant type: Indel.
Coding change: c.740-8_740-6delinsGGA on transcript NM_014324.6 (MANE Select); 8 bases into the intron before coding-DNA position 740 through 6 bases into the intron before coding-DNA position 740, TTC replaced by GGA.
Molecular consequence: intron variant.
Genome position (GRCh38, 1-based): chr5:33,989,508-33,989,510, GAA replaced by TCC on the plus strand (TTC replaced by GGA on the coding strand, the reverse complement: AMACR is on the minus strand). VCF-style: chr5-33989508-GAA-TCC. GRCh37 (hg19) VCF-style: chr5-33989613-GAA-TCC.
Other names: c.579-8_579-6delinsGGA (NM_203382.3); c.740-8_740-6delinsGGA (NM_001167595.2).
Identifiers: ClinVar variation 1489587 (VCV001489587.5), dbSNP rs2112033482, ClinGen allele CA2573139661.